The following is an entry in ClinVar:

ClinVar aggregate classification (germline): Uncertain significance (1 of 4 stars; one submission).

Allele frequency attached by ClinVar (database versions not stated): TOPMed 0.00001.

Submission:

Labcorp Genetics (formerly Invitae), Labcorp
Classification: Uncertain significance. Last evaluated: 2021-04-11. Review status: criteria provided, single submitter. Criteria: Invitae Variant Classification Sherloc (09022015). Collection method: clinical testing. Allele origin: germline.
Comment: In summary, the available evidence is currently insufficient to determine the role of this variant in disease. Therefore, it has been classified as a Variant of Uncertain Significance. Algorithms developed to predict the effect of missense changes on protein structure and function are either unavailable or do not agree on the potential impact of this missense change (SIFT: "Not Available"; PolyPhen-2: "Benign"; Align-GVGD: "Not Available"). This variant has not been reported in the literature in individuals with GZF1-related conditions. This variant is not present in population databases (ExAC no frequency). This sequence change replaces aspartic acid with tyrosine at codon 254 of the GZF1 protein (p.Asp254Tyr). The aspartic acid residue is weakly conserved and there is a large physicochemical difference between aspartic acid and tyrosine.

NM_022482.5(GZF1):c.760G>T (p.Asp254Tyr)

Gene: GZF1 (GDNF inducible zinc finger protein 1; plus strand). Cytogenetic location: 20p11.21.
Variant type: single nucleotide variant.
Coding change: c.760G>T on transcript NM_022482.5 (MANE Select); coding-DNA position 760, G replaced by T.
Protein change: p.Asp254Tyr; replaces aspartic acid 254 with tyrosine.
Molecular consequence: missense variant.
Genome position (GRCh38, 1-based): chr20:23,365,143, G>T. VCF-style: chr20-23365143-G-T. GRCh37 (hg19) VCF-style: chr20-23345780-G-T.
Other names: c.760G>T, p.Asp254Tyr (NM_001317012.2, NM_001317019.1); short protein forms D254Y.
Identifiers: ClinVar variation 1483338 (VCV001483338.6), dbSNP rs772614434, ClinGen allele CA408410269.